The following is an entry in ClinVar:

NM_014639.4(SKIC3):c.357C>A (p.Cys119Ter)

Gene: SKIC3 (SKI3 subunit of superkiller complex; minus strand). Cytogenetic location: 5q15.
Variant type: single nucleotide variant.
Coding change: c.357C>A on transcript NM_014639.4 (MANE Select); coding-DNA position 357, C replaced by A.
Protein change: p.Cys119Ter; replaces cysteine 119 with a stop codon.
Molecular consequence: nonsense.
Genome position (GRCh38, 1-based): chr5:95,541,350, G>T on the plus strand (C>A on the coding strand, the complement: SKIC3 is on the minus strand). VCF-style: chr5-95541350-G-T. GRCh37 (hg19) VCF-style: chr5-94877054-G-T.
Other names: short protein forms C119*.
Identifiers: ClinVar variation 1069367 (VCV001069367.3), dbSNP rs1748067893, ClinGen allele CA360444055.

ClinVar aggregate classification (germline): Pathogenic (1 of 4 stars; one submission).

Allele frequency attached by ClinVar (database versions not stated): gnomAD exomes below 0.00001.
gnomAD v4.1: 1 of 1,613,510 alleles (0.000062%); highest among the groups gnomAD compares: East Asian, 0.0022%; no homozygotes.

Submission:

Labcorp Genetics (formerly Invitae), Labcorp
Classification: Pathogenic. Last evaluated: 2017-10-10. Review status: criteria provided, single submitter. Criteria: Invitae Variant Classification Sherloc (09022015). Collection method: clinical testing. Allele origin: germline.
Comment: This sequence change creates a premature translational stop signal (p.Cys119*) in the TTC37 gene. It is expected to result in an absent or disrupted protein product. This variant is not present in population databases (ExAC no frequency). This variant has not been reported in the literature in individuals with TTC37-related disease. Loss-of-function variants in TTC37 are known to be pathogenic (PMID: 20176027, 21120949). For these reasons, this variant has been classified as Pathogenic.

Literature cited by the submitters: PubMed 20176027; PubMed 21120949.